The following is an entry in ClinVar:

ClinVar aggregate classification (germline): Uncertain significance. Review status: criteria provided, multiple submitters, no conflicts (2 of 4 stars). 2 submissions from 2 submitters: Uncertain significance (2). Last evaluated 2025-05-05.

Conditions:
Hereditary spastic paraplegia 7 (SPG7). Also called: Spastic paraplegia 7; Hereditary spastic paraplegia Paraplegin type; SPASTIC PARAPLEGIA 7, AUTOSOMAL RECESSIVE, WITH OR WITHOUT CEREBELLAR ATAXIA; Autosomal recessive spastic paraplegia type 7; SPG7-related neurologic disorder. Identifiers: Orphanet 99013, MedGen C1846564, MONDO:0011803, OMIM 607259.

Allele frequency attached by ClinVar (database versions not stated): gnomAD exomes 0.00001.
gnomAD v4.1: 11 of 1,613,586 alleles (0.00068%); highest among the groups gnomAD compares: South Asian, 0.0022%; no homozygotes.

Submissions (2):

Labcorp Genetics (formerly Invitae), Labcorp
Classification: Uncertain significance for Hereditary spastic paraplegia 7. Last evaluated: 2025-05-05. Review status: criteria provided, single submitter. Criteria: Invitae Variant Classification Sherloc (09022015). Collection method: clinical testing. Allele origin: germline.
Comment: This sequence change replaces arginine, which is basic and polar, with glutamine, which is neutral and polar, at codon 139 of the SPG7 protein (p.Arg139Gln). This variant is present in population databases (no rsID available, gnomAD 0.006%). This variant has not been reported in the literature in individuals affected with SPG7-related conditions. ClinVar contains an entry for this variant (Variation ID: 1303662). Invitae Evidence Modeling of protein sequence and biophysical properties (such as structural, functional, and spatial information, amino acid conservation, physicochemical variation, residue mobility, and thermodynamic stability) indicates that this missense variant is not expected to disrupt SPG7 protein function with a negative predictive value of 80%. In summary, the available evidence is currently insufficient to determine the role of this variant in disease. Therefore, it has been classified as a Variant of Uncertain Significance.

GeneDx
Classification: Uncertain significance. Last evaluated: 2020-12-11. Review status: criteria provided, single submitter. Criteria: GeneDx Variant Classification Process June 2021. Collection method: clinical testing. Allele origin: germline. Affected: yes.
Comment: Has not been previously published as pathogenic or benign to our knowledge; In silico analysis supports that this missense variant has a deleterious effect on protein structure/function

NM_003119.4(SPG7):c.416G>A (p.Arg139Gln)

Gene: SPG7 (SPG7 matrix AAA peptidase subunit, paraplegin; plus strand). Cytogenetic location: 16q24.3.
Variant type: single nucleotide variant.
Coding change: c.416G>A on transcript NM_003119.4 (MANE Select); coding-DNA position 416, G replaced by A.
Protein change: p.Arg139Gln; replaces arginine 139 with glutamine.
Molecular consequence: missense variant.
Genome position (GRCh38, 1-based): chr16:89,524,045, G>A. VCF-style: chr16-89524045-G-A. GRCh37 (hg19) VCF-style: chr16-89590453-G-A.
Other names: c.416G>A, p.Arg139Gln (NM_001363850.1, NM_199367.3); short protein forms R139Q.
Identifiers: ClinVar variation 1303662 (VCV001303662.6), dbSNP rs948625936, ClinGen allele CA286536995.